The following is an entry in ClinVar:

NM_003467.3(CXCR4):c.787T>C (p.Ser263Pro)

Gene: CXCR4 (C-X-C motif chemokine receptor 4; minus strand). Cytogenetic location: 2q22.1.
Variant type: single nucleotide variant.
Coding change: c.787T>C on transcript NM_003467.3 (MANE Select); coding-DNA position 787, T replaced by C.
Protein change: p.Ser263Pro; replaces serine 263 with proline.
Molecular consequence: missense variant.
Genome position (GRCh38, 1-based): chr2:136,115,141, A>G on the plus strand (T>C on the coding strand, the complement: CXCR4 is on the minus strand). VCF-style: chr2-136115141-A-G. GRCh37 (hg19) VCF-style: chr2-136872711-A-G.
Other names: c.799T>C, p.Ser267Pro (NM_001008540.2); c.1000T>C, p.Ser334Pro (NM_001348056.2); c.886T>C, p.Ser296Pro (NM_001348059.2); c.742T>C, p.Ser248Pro (NM_001348060.2); short protein forms S248P, S263P, S267P, S296P, S334P.
Identifiers: ClinVar variation 4281486 (VCV004281486.7).

ClinVar aggregate classification (germline): Likely benign (1 of 4 stars; one submission).

gnomAD v4.1: 5 of 1,614,080 alleles (0.00031%); highest among the groups gnomAD compares: Non-Finnish European, 0.000085%; no homozygotes.

Submission:

CeGaT Center for Human Genetics Tuebingen
Classification: Likely benign. Last evaluated: 2025-09-01. Review status: criteria provided, single submitter. Criteria: CeGaT Center For Human Genetics Tuebingen Variant Classification Criteria Version 2. Collection method: clinical testing. Allele origin: germline. Affected: yes. Observed: 1 variant allele.
Comment: CXCR4: BP4, BS2